The following is an entry in ClinVar:

ClinVar aggregate classification (germline): Pathogenic (1 of 4 stars; one submission).

Conditions:
Multiple congenital exostosis (EXT). Also called: Hereditary multiple osteochondromas; Multiple osteochondromas; MULTIPLE CARTILAGINOUS EXOSTOSES; Multiple exostoses; Hereditary multiple exostoses; Hereditary multiple exostosis. Identifiers: Orphanet 321, MedGen C0015306, MONDO:0005508, HP:0002762.

Submission:

Labcorp Genetics (formerly Invitae), Labcorp
Classification: Pathogenic for Multiple congenital exostosis. Last evaluated: 2025-01-17. Review status: criteria provided, single submitter. Criteria: Invitae Variant Classification Sherloc (09022015). Collection method: clinical testing. Allele origin: germline.
Comment: This sequence change creates a premature translational stop signal (p.Ser180Valfs*12) in the EXT1 gene. It is expected to result in an absent or disrupted protein product. Loss-of-function variants in EXT1 are known to be pathogenic (PMID: 10679937, 11391482, 19810120). This variant is not present in population databases (gnomAD no frequency). This variant has not been reported in the literature in individuals affected with EXT1-related conditions. For these reasons, this variant has been classified as Pathogenic.

Literature cited by the submitters: PubMed 10679937; PubMed 11391482; PubMed 19810120.

NM_000127.3(EXT1):c.538del (p.Ser180fs)

Gene: EXT1 (exostosin glycosyltransferase 1; minus strand). Cytogenetic location: 8q24.11.
Variant type: Deletion.
Coding change: c.538del on transcript NM_000127.3 (MANE Select); coding-DNA position 538, one base deleted (A; older notation c.538delA).
Protein change: p.Ser180fs; shifts the reading frame from serine 180.
Molecular consequence: frameshift variant.
Genome position (GRCh38, 1-based): chr8:118,110,509, T deleted on the plus strand (A on the coding strand, the reverse complement: EXT1 is on the minus strand). VCF-style (leftmost placement, unchanged base first): chr8-118110508-CT-C. GRCh37 (hg19) VCF-style: chr8-119122747-CT-C.
Other names: short protein forms S180fs.
Identifiers: ClinVar variation 3729112 (VCV003729112.2).